The following is an entry in ClinVar:

NM_182919.4(TICAM1):c.557C>T (p.Ser186Leu)

Gene: TICAM1 (TIR domain containing adaptor molecule 1; minus strand). Cytogenetic location: 19p13.3.
Variant type: single nucleotide variant.
Coding change: c.557C>T on transcript NM_182919.4 (MANE Select); coding-DNA position 557, C replaced by T.
Protein change: p.Ser186Leu; replaces serine 186 with leucine.
Molecular consequence: missense variant. On other transcripts: intron variant (1).
Genome position (GRCh38, 1-based): chr19:4,817,821, G>A on the plus strand (C>T on the coding strand, the complement: TICAM1 is on the minus strand). VCF-style: chr19-4817821-G-A. GRCh37 (hg19) VCF-style: chr19-4817833-G-A.
Other names: c.515C>T, p.Ser172Leu (NM_001385678.1); c.422C>T, p.Ser141Leu (NM_001385679.1); c.-71-15C>T (NM_001385680.1); short protein forms S186L, S141L, S172L.
Identifiers: ClinVar variation 37266 (VCV000037266.9), dbSNP rs146550489, ClinGen allele CA130138.

ClinVar aggregate classification (germline): Uncertain significance. Review status: criteria provided, multiple submitters, no conflicts (2 of 4 stars). 3 submissions from 3 submitters: Uncertain significance (2). 1 of the submissions does not count toward it. Last evaluated 2025-01-23.

Conditions:
Encephalopathy, acute, infection-induced (herpes-specific), susceptibility to, 6. Also called: Herpes simplex encephalitis, susceptibility to, 4. Identifiers: Orphanet 1930, MedGen C3553869, MONDO:0013921, OMIM 614850.

Allele frequency attached by ClinVar (database versions not stated): gnomAD exomes 0.00019 and 0.00031; ExAC 0.00032; gnomAD 0.00058 and 0.00063; 1000 Genomes Project 30x 0.00078; 1000 Genomes Project 0.00080; TOPMed 0.00083; ESP Exome Variant Server 0.00085.
gnomAD v4.1: 384 of 1,604,790 alleles (0.024%); highest among the groups gnomAD compares: African/African-American, 0.1%; no homozygotes.

Submissions (3):

Labcorp Genetics (formerly Invitae), Labcorp
Classification: Uncertain significance for Encephalopathy, acute, infection-induced (herpes-specific), susceptibility to, 6. Last evaluated: 2025-01-23. Review status: criteria provided, single submitter. Criteria: Invitae Variant Classification Sherloc (09022015). Collection method: clinical testing. Allele origin: germline.
Comment: This sequence change replaces serine, which is neutral and polar, with leucine, which is neutral and non-polar, at codon 186 of the TICAM1 protein (p.Ser186Leu). This variant is present in population databases (rs146550489, gnomAD 0.2%). This missense change has been observed in individual(s) with herpes simplex encephalitis (PMID: 22105173). ClinVar contains an entry for this variant (Variation ID: 37266). An algorithm developed to predict the effect of missense changes on protein structure and function outputs the following: PolyPhen-2: "Benign". The leucine amino acid residue is found in multiple mammalian species, which suggests that this missense change does not adversely affect protein function. Experimental studies have shown that this missense change affects TICAM1 function (PMID: 22105173). In summary, the available evidence is currently insufficient to determine the role of this variant in disease. Therefore, it has been classified as a Variant of Uncertain Significance.

Fulgent Genetics
Classification: Uncertain significance for Encephalopathy, acute, infection-induced (herpes-specific), susceptibility to, 6. Last evaluated: 2022-02-07. Review status: criteria provided, single submitter. Criteria: ACMG Guidelines, 2015. Collection method: clinical testing. Allele origin: unknown.

OMIM
Classification: risk factor for ENCEPHALOPATHY, ACUTE, INFECTION-INDUCED (HERPES-SPECIFIC), SUSCEPTIBILITY TO, 6. Last evaluated: 2011-12-01. Review status: no assertion criteria provided. Collection method: literature only. Allele origin: germline. Not counted in ClinVar's aggregate classification.

Literature cited by the submitters: PubMed 22105173 (cited by Labcorp Genetics (formerly Invitae), Labcorp and OMIM).